The following is an entry in ClinVar:

NM_000755.5(CRAT):c.265C>A (p.Arg89Ser)

Gene: CRAT (carnitine O-acetyltransferase; minus strand). Cytogenetic location: 9q34.11.
Variant type: single nucleotide variant.
Coding change: c.265C>A on transcript NM_000755.5 (MANE Select); coding-DNA position 265, C replaced by A.
Protein change: p.Arg89Ser; replaces arginine 89 with serine.
Molecular consequence: missense variant. On other transcripts: intron variant (1).
Genome position (GRCh38, 1-based): chr9:129,107,840, G>T on the plus strand (C>A on the coding strand, the complement: CRAT is on the minus strand). VCF-style: chr9-129107840-G-T. GRCh37 (hg19) VCF-style: chr9-131870119-G-T.
Other names: c.202C>A, p.Arg68Ser (NM_001257363.3, NM_001346548.2, NM_004003.4); c.268C>A, p.Arg90Ser (NM_001346546.2); c.265C>A, p.Arg89Ser (NM_001346547.2); c.171+94C>A (NM_001346549.2); short protein forms R89S, R68S, R90S.
Identifiers: ClinVar variation 2893500 (VCV002893500.3), dbSNP rs150820288, ClinGen allele CA5275848.

ClinVar aggregate classification (germline): Uncertain significance (1 of 4 stars; one submission).

Allele frequency attached by ClinVar (database versions not stated): ExAC 0.00002; gnomAD 0.00006; ESP Exome Variant Server 0.00008; 1000 Genomes Project 30x 0.00016; 1000 Genomes Project 0.00020.
gnomAD v4.1: 28 of 1,612,766 alleles (0.0017%); highest among the groups gnomAD compares: African/African-American, 0.032%; no homozygotes.

Submission:

Labcorp Genetics (formerly Invitae), Labcorp
Classification: Uncertain significance. Last evaluated: 2022-12-15. Review status: criteria provided, single submitter. Criteria: Invitae Variant Classification Sherloc (09022015). Collection method: clinical testing. Allele origin: germline.
Comment: In summary, the available evidence is currently insufficient to determine the role of this variant in disease. Therefore, it has been classified as a Variant of Uncertain Significance. Advanced modeling of protein sequence and biophysical properties (such as structural, functional, and spatial information, amino acid conservation, physicochemical variation, residue mobility, and thermodynamic stability) performed at Invitae indicates that this missense variant is not expected to disrupt CRAT protein function. This variant has not been reported in the literature in individuals affected with CRAT-related conditions. This variant is present in population databases (rs150820288, gnomAD 0.03%). This sequence change replaces arginine, which is basic and polar, with serine, which is neutral and polar, at codon 89 of the CRAT protein (p.Arg89Ser).